The following is an entry in ClinVar:

ClinVar aggregate classification (germline): Uncertain significance. Review status: criteria provided, multiple submitters, no conflicts (2 of 4 stars). 2 submissions from 2 submitters: Uncertain significance (2). Last evaluated 2023-06-23.

Conditions:
Myoclonic dystonia 11 (DYT11). Also called: Dystonia, alcohol responsive; Hereditary essential myoclonus; SGCE Myoclonus-Dystonia; Myoclonus-Dystonia; Dystonia 11; DYT-SGCE. Identifiers: Orphanet 36899, MedGen C1834570, MONDO:0008044, OMIM 159900.

Allele frequency attached by ClinVar (database versions not stated): gnomAD exomes below 0.00001; gnomAD 0.00001.
gnomAD v4.1: 6 of 1,611,242 alleles (0.00037%); highest among the groups gnomAD compares: Non-Finnish European, 0.00051%; no homozygotes.

Submissions (2):

Blueprint Genetics
Classification: Uncertain significance. Last evaluated: 2023-06-23. Review status: criteria provided, single submitter. Criteria: ACMG Guidelines, 2015. Collection method: clinical testing. Allele origin: germline.

Labcorp Genetics (formerly Invitae), Labcorp
Classification: Uncertain significance for Myoclonic dystonia 11. Last evaluated: 2023-01-15. Review status: criteria provided, single submitter. Criteria: Invitae Variant Classification Sherloc (09022015). Collection method: clinical testing. Allele origin: germline.
Comment: In summary, the available evidence is currently insufficient to determine the role of this variant in disease. Therefore, it has been classified as a Variant of Uncertain Significance. Advanced modeling of protein sequence and biophysical properties (such as structural, functional, and spatial information, amino acid conservation, physicochemical variation, residue mobility, and thermodynamic stability) performed at Invitae indicates that this missense variant is not expected to disrupt SGCE protein function. ClinVar contains an entry for this variant (Variation ID: 857177). This variant has not been reported in the literature in individuals affected with SGCE-related conditions. This variant is not present in population databases (gnomAD no frequency). This sequence change replaces glutamic acid, which is acidic and polar, with valine, which is neutral and non-polar, at codon 65 of the SGCE protein (p.Glu65Val).

NM_003919.3(SGCE):c.194A>T (p.Glu65Val)

Genes: CASD1 (CAS1 domain sialic acid O acetyltransferase 1; plus strand), SGCE (sarcoglycan epsilon; minus strand). Cytogenetic location: 7q21.3.
Variant type: single nucleotide variant.
Coding change: c.194A>T on transcript NM_003919.3 (MANE Select); coding-DNA position 194, A replaced by T.
Protein change: p.Glu65Val; replaces glutamic acid 65 with valine.
Molecular consequence: missense variant. On other transcripts: 5 prime UTR variant (2), intron variant (2).
Genome position (GRCh38, 1-based): chr7:94,629,757, T>A on the plus strand (A>T on the coding strand, the complement: SGCE is on the minus strand). VCF-style: chr7-94629757-T-A. GRCh37 (hg19) VCF-style: chr7-94259069-T-A.
Other names: c.194A>T, p.Glu65Val (NM_001099400.2, NM_001099401.2, NM_001346717.2); c.302A>T, p.Glu101Val (NM_001346713.2, NM_001346715.2); c.107A>T, p.Glu36Val (NM_001346719.2, NM_001362807.2); c.-80A>T (NM_001346720.2, NM_001362808.2); c.110-1398A>T (NM_001362809.2, NM_001301139.2); short protein forms E36V, E101V, E65V.
Identifiers: ClinVar variation 857177 (VCV000857177.8), dbSNP rs1804379561, ClinGen allele CA368239163.